The following is an entry in ClinVar:

NM_001621.5(AHR):c.1769G>C (p.Ser590Thr)

Gene: AHR (aryl hydrocarbon receptor; plus strand). Cytogenetic location: 7p21.1.
Variant type: single nucleotide variant.
Coding change: c.1769G>C on transcript NM_001621.5 (MANE Select); coding-DNA position 1769, G replaced by C.
Protein change: p.Ser590Thr; replaces serine 590 with threonine.
Molecular consequence: missense variant.
Genome position (GRCh38, 1-based): chr7:17,339,594, G>C. VCF-style: chr7-17339594-G-C. GRCh37 (hg19) VCF-style: chr7-17379218-G-C.
Other names: c.1769G>C (NM_001621.4); short protein forms S590T.
Identifiers: ClinVar variation 1438735 (VCV001438735.7), dbSNP rs1211171674, ClinGen allele CA366895150.
Genomic context (GRCh38, chr7:17,339,594, plus strand): 5'-TTGACTTCAGAGACATTGACTTAACGGATGAAATCCTGACGTATGTCCAAGATTCTTTAA[G>C]TAAGTCTCCCTTCATACCTTCAGATTATCAACAGCAACAGTCCTTGGCTCTGAACTCAAG-3'
Protein context (NP_001612.1, residues 580-600): EILTYVQDSL[Ser590Thr]KSPFIPSDYQ

ClinVar aggregate classification (germline): Uncertain significance. Review status: criteria provided, multiple submitters, no conflicts (2 of 4 stars). 2 submissions from 2 submitters: Uncertain significance (2). Last evaluated 2025-12-18.

Allele frequency attached by ClinVar (database versions not stated): gnomAD 0.00001; gnomAD exomes below 0.00001.
gnomAD v4.1: 8 of 1,614,000 alleles (0.0005%); highest among the groups gnomAD compares: Non-Finnish European, 0.00068%; no homozygotes.

Submissions (2):

Ambry Genetics
Classification: Uncertain significance. Last evaluated: 2025-12-18. Review status: criteria provided, single submitter. Criteria: Ambry Variant Classification Scheme 2023. Collection method: clinical testing. Allele origin: germline.

Labcorp Genetics (formerly Invitae), Labcorp
Classification: Uncertain significance. Last evaluated: 2021-09-18. Review status: criteria provided, single submitter. Criteria: Invitae Variant Classification Sherloc (09022015). Collection method: clinical testing. Allele origin: germline.
Comment: This sequence change replaces serine with threonine at codon 590 of the AHR protein (p.Ser590Thr). The serine residue is weakly conserved and there is a small physicochemical difference between serine and threonine. This variant is not present in population databases (ExAC no frequency). In summary, the available evidence is currently insufficient to determine the role of this variant in disease. Therefore, it has been classified as a Variant of Uncertain Significance. Algorithms developed to predict the effect of missense changes on protein structure and function (SIFT, PolyPhen-2, Align-GVGD) all suggest that this variant is likely to be tolerated. This variant has not been reported in the literature in individuals affected with AHR-related conditions.